The following is an entry in ClinVar:

ClinVar aggregate classification (germline): Uncertain significance (1 of 4 stars; one submission).

Allele frequency attached by ClinVar (database versions not stated): gnomAD exomes below 0.00001; TOPMed below 0.00001; gnomAD 0.00001.
gnomAD v4.1: 4 of 1,569,848 alleles (0.00025%); highest among the groups gnomAD compares: African/African-American, 0.0027%; no homozygotes.

Submission:

GeneDx
Classification: Uncertain significance. Last evaluated: 2014-09-10. Review status: criteria provided, single submitter. Criteria: GeneDx Variant Classification (06012015). Collection method: clinical testing. Allele origin: germline. Affected: yes.
Comment: p.Ser33Cys (TCC>TGC): c.98 C>G in exon 2 of the POLG gene (NM_002693.2). The S33C variant has not been published as a mutation, nor has it been reported as a benign polymorphism to our knowledge. It was not observed in approximately 6,000 individuals of European and African American ancestry in the NHLBI Exome Sequencing Project, indicating it is not a common benign variant in these populations. The S33C variant is a non-conservative amino acid substitution, which is likely to impact secondary protein structure as these residues differ in polarity, charge, size and/or other properties. However, this substitution occurs at a position that is not conserved across species and in silico analysis predicts this variant likely does not alter the protein structure/function. Therefore, based on the currently available information, it is unclear whether this variant is a pathogenic mutation or a rare benign variant. The variant is found in EPILEPSY panel(s).

NM_002693.3(POLG):c.98C>G (p.Ser33Cys)

Genes: POLGARF (POLG alternative reading frame; minus strand), POLG (DNA polymerase gamma, catalytic subunit; minus strand). Cytogenetic location: 15q26.1.
Variant type: single nucleotide variant.
Coding change: c.98C>G on transcript NM_002693.3 (MANE Select); coding-DNA position 98, C replaced by G.
Protein change: p.Ser33Cys; replaces serine 33 with cysteine.
Molecular consequence: missense variant.
Genome position (GRCh38, 1-based): chr15:89,333,657, G>C on the plus strand (C>G on the coding strand, the complement: POLG is on the minus strand). VCF-style: chr15-89333657-G-C. GRCh37 (hg19) VCF-style: chr15-89876888-G-C.
Other names: p.S33C:TCC>TGC; c.98C>G, p.Ser33Cys (NM_001126131.2); short protein forms S33C.
Identifiers: ClinVar variation 206554 (VCV000206554.2), dbSNP rs796052896, ClinGen allele CA316752.